The following is an entry in ClinVar:

ClinVar aggregate classification (germline): Uncertain significance. Review status: criteria provided, multiple submitters, no conflicts (2 of 4 stars). 4 submissions from 4 submitters: Uncertain significance (3). 1 of the submissions does not count toward it. Last evaluated 2024-01-04.

Conditions:
Inborn genetic diseases. Identifiers: MedGen C0950123, MeSH D030342.
Usher syndrome type 2A. Also called: RETINAL DISEASE IN USHER SYNDROME TYPE IIA, MODIFIER OF; USHER SYNDROME, TYPE IIA. Identifiers: Orphanet 231178, Orphanet 886, MedGen C1848634, MONDO:0010169, OMIM 276901.

Allele frequency attached by ClinVar (database versions not stated): gnomAD 0.00001; ExAC 0.00002; TOPMed 0.00002; gnomAD exomes 0.00003 and 0.00005.
gnomAD v4.1: 76 of 1,613,776 alleles (0.0047%); highest among the groups gnomAD compares: Non-Finnish European, 0.0063%; no homozygotes.

Submissions (4):

Blueprint Genetics
Classification: Uncertain significance. Last evaluated: 2024-01-04. Review status: criteria provided, single submitter. Criteria: ACMG Guidelines, 2015. Collection method: clinical testing. Allele origin: germline.

Labcorp Genetics (formerly Invitae), Labcorp
Classification: Uncertain significance. Last evaluated: 2022-07-20. Review status: criteria provided, single submitter. Criteria: Invitae Variant Classification Sherloc (09022015). Collection method: clinical testing. Allele origin: germline.
Comment: This sequence change replaces proline, which is neutral and non-polar, with glutamine, which is neutral and polar, at codon 3232 of the USH2A protein (p.Pro3232Gln). This variant is present in population databases (rs774654676, gnomAD 0.006%). This variant has not been reported in the literature in individuals affected with USH2A-related conditions. ClinVar contains an entry for this variant (Variation ID: 1009270). Algorithms developed to predict the effect of missense changes on protein structure and function output the following: SIFT: "Deleterious"; PolyPhen-2: "Benign"; Align-GVGD: "Class C65". The glutamine amino acid residue is found in multiple mammalian species, which suggests that this missense change does not adversely affect protein function. In summary, the available evidence is currently insufficient to determine the role of this variant in disease. Therefore, it has been classified as a Variant of Uncertain Significance.

Ambry Genetics
Classification: Uncertain significance for Inborn genetic diseases. Last evaluated: 2022-06-27. Review status: criteria provided, single submitter. Criteria: Ambry Variant Classification Scheme 2023. Collection method: clinical testing. Allele origin: germline.

Natera, Inc.
Classification: Uncertain significance for Usher syndrome type 2A. Last evaluated: 2020-05-11. Review status: no assertion criteria provided. Collection method: clinical testing. Allele origin: germline. Not counted in ClinVar's aggregate classification.

NM_206933.4(USH2A):c.9695C>A (p.Pro3232Gln)

Gene: USH2A (usherin; minus strand). Cytogenetic location: 1q41.
Variant type: single nucleotide variant.
Coding change: c.9695C>A on transcript NM_206933.4 (MANE Select); coding-DNA position 9695, C replaced by A.
Protein change: p.Pro3232Gln; replaces proline 3232 with glutamine.
Molecular consequence: missense variant.
Genome position (GRCh38, 1-based): chr1:215,813,780, G>T on the plus strand (C>A on the coding strand, the complement: USH2A is on the minus strand). VCF-style: chr1-215813780-G-T. GRCh37 (hg19) VCF-style: chr1-215987122-G-T.
Other names: c.9695C>A (NM_206933.2); short protein forms P3232Q.
Identifiers: ClinVar variation 1009270 (VCV001009270.5), dbSNP rs774654676, ClinGen allele CA1394240.